The following is an entry in ClinVar:

ClinVar aggregate classification (germline): Uncertain significance (1 of 4 stars; one submission).

Allele frequency attached by ClinVar (database versions not stated): gnomAD 0.00002; gnomAD exomes 0.00003; TOPMed 0.00003; ESP Exome Variant Server 0.00008.

Submission:

Labcorp Genetics (formerly Invitae), Labcorp
Classification: Uncertain significance. Last evaluated: 2022-03-15. Review status: criteria provided, single submitter. Criteria: Invitae Variant Classification Sherloc (09022015). Collection method: clinical testing. Allele origin: germline.
Comment: This sequence change replaces methionine, which is neutral and non-polar, with lysine, which is basic and polar, at codon 2352 of the PCLO protein (p.Met2352Lys). This variant is not present in population databases (gnomAD no frequency). This variant has not been reported in the literature in individuals affected with PCLO-related conditions. Algorithms developed to predict the effect of missense changes on protein structure and function are either unavailable or do not agree on the potential impact of this missense change (SIFT: "Deleterious"; PolyPhen-2: "Not Available"; Align-GVGD: "Class C0"). In summary, the available evidence is currently insufficient to determine the role of this variant in disease. Therefore, it has been classified as a Variant of Uncertain Significance.

NM_033026.6(PCLO):c.7055T>A (p.Met2352Lys)

Gene: PCLO (piccolo presynaptic cytomatrix protein; minus strand). Cytogenetic location: 7q21.11.
Variant type: single nucleotide variant.
Coding change: c.7055T>A on transcript NM_033026.6 (MANE Select); coding-DNA position 7055, T replaced by A.
Protein change: p.Met2352Lys; replaces methionine 2352 with lysine.
Molecular consequence: missense variant.
Genome position (GRCh38, 1-based): chr7:82,953,898, A>T on the plus strand (T>A on the coding strand, the complement: PCLO is on the minus strand). VCF-style: chr7-82953898-A-T. GRCh37 (hg19) VCF-style: chr7-82583214-A-T.
Other names: c.7055T>A, p.Met2352Lys (NM_014510.3); short protein forms M2352K.
Identifiers: ClinVar variation 2076997 (VCV002076997.1), dbSNP rs376103477, ClinGen allele CA161146818.